The following is an entry in ClinVar:

NM_002941.4(ROBO1):c.120C>G (p.His40Gln)

Gene: ROBO1 (roundabout guidance receptor 1; minus strand). Cytogenetic location: 3p12.3.
Variant type: single nucleotide variant.
Coding change: c.120C>G on transcript NM_002941.4 (MANE Select); coding-DNA position 120, C replaced by G.
Protein change: p.His40Gln; replaces histidine 40 with glutamine.
Molecular consequence: missense variant.
Genome position (GRCh38, 1-based): chr3:79,125,508, G>C on the plus strand (C>G on the coding strand, the complement: ROBO1 is on the minus strand). VCF-style: chr3-79125508-G-C. GRCh37 (hg19) VCF-style: chr3-79174658-G-C.
Other names: short protein forms H40Q.
Identifiers: ClinVar variation 4873258 (VCV004873258.2).

ClinVar aggregate classification (germline): Uncertain significance (1 of 4 stars; one submission).

gnomAD v4.1: 1 of 1,613,646 alleles (0.000062%); highest among the groups gnomAD compares: Admixed American, 0.0017%; no homozygotes.

Submission:

CeGaT Center for Human Genetics Tuebingen
Classification: Uncertain significance. Last evaluated: 2026-04-01. Review status: criteria provided, single submitter. Criteria: CeGaT Center For Human Genetics Tuebingen Variant Classification Criteria Version 2. Collection method: clinical testing. Allele origin: germline. Affected: yes. Observed: 1 variant allele.
Comment: ROBO1: PM2, BP4